The following is an entry in ClinVar:

ClinVar aggregate classification (germline): Conflicting classifications of pathogenicity. Review status: criteria provided, conflicting classifications (1 of 4 stars). 2 submissions from 2 submitters: Uncertain significance (1); Likely benign (1). Last evaluated 2024-05-02.

Conditions:
Hereditary cancer-predisposing syndrome. Also called: Neoplastic Syndromes, Hereditary; Hereditary neoplastic syndrome; Tumor predisposition; Hereditary Cancer Syndrome. Identifiers: Orphanet 140162, MedGen C0027672, MeSH D009386, MONDO:0015356.
Birt-Hogg-Dube syndrome. Also called: Birt Hogg Dubé syndrome. Identifiers: Orphanet 122, MedGen C0346010, MONDO:0800444.

gnomAD v4.1: 1 of 1,614,220 alleles (0.000062%); highest among the groups gnomAD compares: Non-Finnish European, 0.000085%; no homozygotes.

Submissions (2):

Ambry Genetics
Classification: Likely benign for Hereditary cancer-predisposing syndrome. Last evaluated: 2024-05-02. Review status: criteria provided, single submitter. Criteria: Ambry Variant Classification Scheme 2023. Collection method: clinical testing. Allele origin: germline.

Labcorp Genetics (formerly Invitae), Labcorp
Classification: Uncertain significance for Birt-Hogg-Dube syndrome. Last evaluated: 2024-04-11. Review status: criteria provided, single submitter. Criteria: Invitae Variant Classification Sherloc (09022015). Collection method: clinical testing. Allele origin: germline.
Comment: This sequence change replaces leucine, which is neutral and non-polar, with phenylalanine, which is neutral and non-polar, at codon 313 of the FLCN protein (p.Leu313Phe). This variant is not present in population databases (gnomAD no frequency). This variant has not been reported in the literature in individuals affected with FLCN-related conditions. ClinVar contains an entry for this variant (Variation ID: 529997). Advanced modeling of protein sequence and biophysical properties (such as structural, functional, and spatial information, amino acid conservation, physicochemical variation, residue mobility, and thermodynamic stability) performed at Invitae indicates that this missense variant is not expected to disrupt FLCN protein function with a negative predictive value of 80%. In summary, the available evidence is currently insufficient to determine the role of this variant in disease. Therefore, it has been classified as a Variant of Uncertain Significance.

NM_144997.7(FLCN):c.939G>T (p.Leu313Phe)

Gene: FLCN (folliculin; minus strand). Cytogenetic location: 17p11.2.
Variant type: single nucleotide variant.
Coding change: c.939G>T on transcript NM_144997.7 (MANE Select); coding-DNA position 939, G replaced by T.
Protein change: p.Leu313Phe; replaces leucine 313 with phenylalanine.
Molecular consequence: missense variant.
Genome position (GRCh38, 1-based): chr17:17,219,142, C>A on the plus strand (G>T on the coding strand, the complement: FLCN is on the minus strand). VCF-style: chr17-17219142-C-A. GRCh37 (hg19) VCF-style: chr17-17122456-C-A.
Other names: c.939G>T (LRG_325t1); c.993G>T, p.Leu331Phe (NM_001353229.2); c.939G>T, p.Leu313Phe (NM_001353230.2, NM_001353231.2); short protein forms L313F, L331F.
Identifiers: ClinVar variation 529997 (VCV000529997.9), dbSNP rs558365108, ClinGen allele CA398532961.